The following is an entry in ClinVar:

NM_001005242.3(PKP2):c.826C>T (p.Pro276Ser)

Gene: PKP2 (plakophilin 2; minus strand). Cytogenetic location: 12p11.21.
Variant type: single nucleotide variant.
Coding change: c.826C>T on transcript NM_001005242.3 (MANE Select); coding-DNA position 826, C replaced by T.
Protein change: p.Pro276Ser; replaces proline 276 with serine.
Molecular consequence: missense variant.
Genome position (GRCh38, 1-based): chr12:32,878,054, G>A on the plus strand (C>T on the coding strand, the complement: PKP2 is on the minus strand). VCF-style: chr12-32878054-G-A. GRCh37 (hg19) VCF-style: chr12-33030988-G-A.
Other names: p.P276S:CCC>TCC; c.826C>T, p.Pro276Ser (NM_004572.4); short protein forms P276S.
Identifiers: ClinVar variation 178107 (VCV000178107.59), dbSNP rs201944276, ClinGen allele CA012521.
Genomic context (GRCh38, chr12:32,878,054, plus strand): 5'-GGAAGGAGCTCTGATGCCAGGAGGACCTGGAAGCCCTGTTCTGAGTGACGGGCTGCAGGG[G>A]CACCAGCGGCCTGACCTGCCCGACAGTGAGCCCTGCCGTCAGGTAGTTCTCCTTCTCCAA-3'
Protein context (NP_001005242.2, residues 266-286): LTVGQVRPLV[Pro276Ser]LQPVTQNRAS

ClinVar aggregate classification (germline): Conflicting classifications of pathogenicity. Review status: criteria provided, conflicting classifications (1 of 4 stars). 10 submissions from 10 submitters: Uncertain significance (2); Likely benign (8). Last evaluated 2026-01-24.

Conditions:
Cardiovascular phenotype. Identifiers: MedGen CN230736.
Cardiomyopathy (CMYO). Also called: Cardiomyopathies. Identifiers: Orphanet 167848, MedGen C0878544, MONDO:0004994, HP:0001638. Inheritance: Various modes of inheritance.
Arrhythmogenic right ventricular dysplasia 9 (ARVD9). Also called: Arrhythmogenic Right Ventricular Dysplasia/Cardiomyopathy 9; ARRHYTHMOGENIC RIGHT VENTRICULAR DYSPLASIA, FAMILIAL, 9. Identifiers: MedGen C1836906, MONDO:0012180, OMIM 609040.

Allele frequency attached by ClinVar (database versions not stated): gnomAD exomes 0.00007 and 0.00017; TOPMed 0.00008; gnomAD 0.00009 and 0.00010; ESP Exome Variant Server 0.00015; ExAC 0.00016.
gnomAD v4.1: 115 of 1,613,836 alleles (0.0071%); highest among the groups gnomAD compares: Non-Finnish European, 0.0017%; 1 homozygote.

Submissions (10):

Labcorp Genetics (formerly Invitae), Labcorp
Classification: Likely benign for Arrhythmogenic right ventricular dysplasia 9. Last evaluated: 2026-01-24. Review status: criteria provided, single submitter. Criteria: Invitae Variant Classification Sherloc (09022015). Collection method: clinical testing. Allele origin: germline.

CeGaT Center for Human Genetics Tuebingen
Classification: Likely benign. Last evaluated: 2025-08-01. Review status: criteria provided, single submitter. Criteria: CeGaT Center For Human Genetics Tuebingen Variant Classification Criteria Version 2. Collection method: clinical testing. Allele origin: germline. Affected: yes. Observed: 7 variant alleles.
Comment: PKP2: BP4, BS1

Blueprint Genetics
Classification: Likely benign. Last evaluated: 2019-10-08. Review status: criteria provided, single submitter. Criteria: ACMG Guidelines, 2015. Collection method: clinical testing. Allele origin: germline.

Color Diagnostics, LLC DBA Color Health
Classification: Likely benign for Cardiomyopathy. Last evaluated: 2018-11-14. Review status: criteria provided, single submitter. Criteria: ACMG Guidelines, 2015. Collection method: clinical testing. Allele origin: germline.

Center for Advanced Laboratory Medicine, UC San Diego Health, University of California San Diego
Classification: Likely benign for Cardiomyopathy. Last evaluated: 2018-05-23. Review status: criteria provided, single submitter. Criteria: ACMG Guidelines, 2015. Collection method: clinical testing. Allele origin: germline. Affected: yes. Observed: 2 variant alleles.

Ambry Genetics
Classification: Likely benign for Cardiovascular phenotype. Last evaluated: 2017-06-12. Review status: criteria provided, single submitter. Criteria: Ambry Variant Classification Scheme 2023. Collection method: clinical testing. Allele origin: germline.

Illumina Laboratory Services, Illumina
Classification: Uncertain significance for Arrhythmogenic right ventricular dysplasia 9. Last evaluated: 2017-04-27. Review status: criteria provided, single submitter. Criteria: ICSL Variant Classification Criteria 13 December 2019. Collection method: clinical testing. Allele origin: germline.
Comment: This variant was observed as part of a predisposition screen in an ostensibly healthy population. A literature search was performed for the gene, cDNA change, and amino acid change (where applicable). Publications were found based on this search. However, the evidence from the literature, in combination with allele frequency data from public databases where available, was not sufficient to rule this variant in or out of causing disease. Therefore, this variant is classified as a variant of unknown significance.

GeneDx
Classification: Likely benign. Last evaluated: 2016-03-29. Review status: criteria provided, single submitter. Criteria: GeneDx Variant Classification (06012015). Collection method: clinical testing. Allele origin: germline. Affected: yes.
Comment: This variant is considered likely benign or benign based on one or more of the following criteria: it is a conservative change, it occurs at a poorly conserved position in the protein, it is predicted to be benign by multiple in silico algorithms, and/or has population frequency not consistent with disease.

Laboratory for Molecular Medicine, Mass General Brigham Personalized Medicine
Classification: Uncertain significance. Last evaluated: 2014-08-08. Review status: criteria provided, single submitter. Criteria: LMM Criteria. Collection method: clinical testing. Allele origin: germline. Observed: 1 variant allele.
Comment: Variant classified as Uncertain Significance - Favor Benign. The Pro276Ser varia nt in PKP2 has not been reported in individuals with cardiomyopathy but was iden tified in 1/1093 chromosomes by the ClinSeq project and in 2/8600 European Ameri can chromosomes by the NHLBI Exome Sequencing Project (. edu/EVS/; dbSNP rs201944276). Proline (Pro) at position 276 is not conserved in mammals and evolutionarily distant species and the change to Serine (Ser) is pre sent in 6 mammals including hamster, bushbaby, dolphin, killer whale, tenrec and tasmanian devil; however, the local alignment of this region is poor. Additiona l computational prediction tools indicate this variant may not impact the protei n, though this information is not predictive enough to rule out pathogenicity. I n summary, while the clinical significance of the Pro276Ser variant is uncertain , conservation data suggest that it is more likely to be benign.

Biesecker Lab/Clinical Genomics Section, National Institutes of Health
Classification: Likely benign. Last evaluated: 2013-06-24. Review status: criteria provided, single submitter. Criteria: Ng et al. (Circ Cardiovasc Genet. 2013). Collection method: research. Allele origin: unknown. Observed: 2 variant alleles. Study: ClinSeq.
Comment: The study set was not selected for affection status in relation to any cancer. Pathogenicity categories were based on literature curation. See Pubmed ID:23861362 for details.

Medical sequencing

Literature cited by the submitters: PubMed 20857253 (cited by Illumina Laboratory Services, Illumina).